The following is an entry in ClinVar:

ClinVar aggregate classification (germline): Likely benign. Review status: criteria provided, multiple submitters, no conflicts (2 of 4 stars). 2 submissions from 2 submitters: Likely benign (2). Last evaluated 2021-11-30.

Allele frequency attached by ClinVar (database versions not stated): gnomAD exomes below 0.00001 and 0.00001; gnomAD 0.00002; TOPMed 0.00002.
gnomAD v4.1: 10 of 1,613,604 alleles (0.00062%); highest among the groups gnomAD compares: African/African-American, 0.013%; no homozygotes.

Submissions (2):

Labcorp Genetics (formerly Invitae), Labcorp
Classification: Likely benign. Last evaluated: 2021-11-30. Review status: criteria provided, single submitter. Criteria: Invitae Variant Classification Sherloc (09022015). Collection method: clinical testing. Allele origin: germline.

GeneDx
Classification: Likely benign. Last evaluated: 2018-01-30. Review status: criteria provided, single submitter. Criteria: GeneDx Variant Classification (06012015). Collection method: clinical testing. Allele origin: germline. Affected: yes.
Comment: This variant is considered likely benign or benign based on one or more of the following criteria: it is a conservative change, it occurs at a poorly conserved position in the protein, it is predicted to be benign by multiple in silico algorithms, and/or has population frequency not consistent with disease.

NM_006907.4(PYCR1):c.802C>T (p.Leu268=)

Gene: PYCR1 (pyrroline-5-carboxylate reductase 1; minus strand). Cytogenetic location: 17q25.3.
Variant type: single nucleotide variant.
Coding change: c.802C>T on transcript NM_006907.4 (MANE Select); coding-DNA position 802, C replaced by T.
Protein change: p.Leu268=; no amino-acid change (leucine 268 retained).
Molecular consequence: synonymous variant. On other transcripts: missense variant (1).
Genome position (GRCh38, 1-based): chr17:81,933,372, G>A on the plus strand (C>T on the coding strand, the complement: PYCR1 is on the minus strand). VCF-style: chr17-81933372-G-A. GRCh37 (hg19) VCF-style: chr17-79891248-G-A.
Other names: c.709C>T, p.Leu237= (NM_001282279.2); c.802C>T, p.Leu268= (NM_001282280.2, NM_153824.3); c.883C>T, p.Leu295= (NM_001282281.2); c.638C>T, p.Ala213Val (NM_001330523.2); short protein forms A213V.
Identifiers: ClinVar variation 432978 (VCV000432978.9), dbSNP rs948856695, ClinGen allele CA295134498.